The following is an entry in ClinVar:

NM_001082538.3(TCTN1):c.1495-2A>G

Gene: TCTN1 (tectonic family member 1; plus strand). Cytogenetic location: 12q24.11.
Variant type: single nucleotide variant.
Coding change: c.1495-2A>G on transcript NM_001082538.3 (MANE Select); the canonical splice acceptor site of the intron before coding-DNA position 1495, A replaced by G.
Molecular consequence: splice acceptor variant. On other transcripts: intron variant (5).
Genome position (GRCh38, 1-based): chr12:110,647,194, A>G. VCF-style: chr12-110647194-A-G. GRCh37 (hg19) VCF-style: chr12-111084999-A-G.
Other names: c.1327-17A>G (NM_001173975.3); c.1168-2A>G (NM_001173976.2); c.961-17A>G (NM_001319681.2); c.1453-17A>G (NM_024549.6); c.1495-17A>G (NM_001082537.3); c.1348-17A>G (NM_001319680.2).
Identifiers: ClinVar variation 1899621 (VCV001899621.5), dbSNP rs1475200635, ClinGen allele CA386695121.

ClinVar aggregate classification (germline): Likely pathogenic (1 of 4 stars; one submission).

Conditions:
Meckel-Gruber syndrome. Also called: DYSENCEPHALIA SPLANCHNOCYSTICA; GRUBER SYNDROME; Dysencephalia splachnocystica. Identifiers: Orphanet 564, MedGen C0265215, MONDO:0018921.
Joubert syndrome. Also called: CEREBELLOPARENCHYMAL DISORDER IV; JOUBERT-BOLTSHAUSER SYNDROME; Familial aplasia of the vermis. Identifiers: Orphanet 475, MedGen C5979921, MONDO:0018772.

Allele frequency attached by ClinVar (database versions not stated): gnomAD exomes below 0.00001; gnomAD 0.00002; TOPMed 0.00003.
gnomAD v4.1: 8 of 1,614,086 alleles (0.0005%); highest among the groups gnomAD compares: African/African-American, 0.0067%; no homozygotes.

Submission:

Labcorp Genetics (formerly Invitae), Labcorp
Classification: Likely pathogenic for Joubert syndrome; Meckel-Gruber syndrome. Last evaluated: 2024-08-20. Review status: criteria provided, single submitter. Criteria: Invitae Variant Classification Sherloc (09022015). Collection method: clinical testing. Allele origin: germline.
Comment: This sequence change affects an acceptor splice site in intron 12 of the TCTN1 gene. It is expected to disrupt RNA splicing. Variants that disrupt the donor or acceptor splice site typically lead to a loss of protein function (PMID: 16199547), and loss-of-function variants in TCTN1 are known to be pathogenic (PMID: 21725307, 22693042, 27894351). This variant is present in population databases (no rsID available, gnomAD 0.007%). This variant has not been reported in the literature in individuals affected with TCTN1-related conditions. ClinVar contains an entry for this variant (Variation ID: 1899621). In summary, the currently available evidence indicates that the variant is pathogenic, but additional data are needed to prove that conclusively. Therefore, this variant has been classified as Likely Pathogenic.

Literature cited by the submitters: PubMed 16199547; PubMed 21725307; PubMed 22693042; PubMed 27894351.